The following is an entry in ClinVar:

ClinVar aggregate classification (germline): Uncertain significance (1 of 4 stars; one submission).

Allele frequency attached by ClinVar (database versions not stated): 1000 Genomes Project 30x 0.00016; 1000 Genomes Project 0.00020.
gnomAD v4.1: 7 of 1,571,662 alleles (0.00045%); highest among the groups gnomAD compares: African/African-American, 0.0095%; no homozygotes.

Submission:

Labcorp Genetics (formerly Invitae), Labcorp
Classification: Uncertain significance. Last evaluated: 2022-04-24. Review status: criteria provided, single submitter. Criteria: Invitae Variant Classification Sherloc (09022015). Collection method: clinical testing. Allele origin: germline.
Comment: In summary, the available evidence is currently insufficient to determine the role of this variant in disease. Therefore, it has been classified as a Variant of Uncertain Significance. Variants that disrupt the consensus splice site are a relatively common cause of aberrant splicing (PMID: 17576681, 9536098). Algorithms developed to predict the effect of sequence changes on RNA splicing suggest that this variant is not likely to affect RNA splicing. This variant has not been reported in the literature in individuals affected with GRIN2D-related conditions. This variant is present in population databases (rs575224079, gnomAD 0.01%). This sequence change falls in intron 6 of the GRIN2D gene. It does not directly change the encoded amino acid sequence of the GRIN2D protein. It affects a nucleotide within the consensus splice site.

Literature cited by the submitters: PubMed 17576681; PubMed 9536098.

NM_000836.4(GRIN2D):c.1581+6G>A

Gene: GRIN2D (glutamate ionotropic receptor NMDA type subunit 2D; plus strand). Cytogenetic location: 19q13.33.
Variant type: single nucleotide variant.
Coding change: c.1581+6G>A on transcript NM_000836.4 (MANE Select); 6 bases into the intron after coding-DNA position 1581, G replaced by A.
Molecular consequence: intron variant.
Genome position (GRCh38, 1-based): chr19:48,415,038, G>A. VCF-style: chr19-48415038-G-A. GRCh37 (hg19) VCF-style: chr19-48918295-G-A.
Identifiers: ClinVar variation 2125300 (VCV002125300.4), dbSNP rs575224079, ClinGen allele CA9550539.